The following is an entry in ClinVar:

NM_144499.3(GNAT1):c.931G>A (p.Asp311Asn)

Gene: GNAT1 (G protein subunit alpha transducin 1; plus strand). Cytogenetic location: 3p21.31.
Variant type: single nucleotide variant.
Coding change: c.931G>A on transcript NM_144499.3 (MANE Select); coding-DNA position 931, G replaced by A.
Protein change: p.Asp311Asn; replaces aspartic acid 311 with asparagine.
Molecular consequence: missense variant.
Genome position (GRCh38, 1-based): chr3:50,194,833, G>A. VCF-style: chr3-50194833-G-A. GRCh37 (hg19) VCF-style: chr3-50232266-G-A.
Other names: c.931G>A, p.Asp311Asn (NM_000172.4); short protein forms D311N.
Identifiers: ClinVar variation 845622 (VCV000845622.7), dbSNP rs999064639, ClinGen allele CA74601993.
Genomic context (GRCh38, chr3:50,194,833, plus strand): 5'-ACCTACGAGGACGCCGGCAACTACATCAAGGTGCAGTTCCTCGAGCTCAACATGCGGCGC[G>A]ACGTGAAGGAGATCTATTCCCACATGACGTGCGCCACCGACACGCAGAACGTCAAATTTG-3'
Protein context (NP_653082.1, residues 301-321): VQFLELNMRR[Asp311Asn]VKEIYSHMTC

ClinVar aggregate classification (germline): Uncertain significance. Review status: criteria provided, multiple submitters, no conflicts (2 of 4 stars). 2 submissions from 2 submitters: Uncertain significance (2). Last evaluated 2024-12-07.

Conditions:
Inborn genetic diseases. Identifiers: MedGen C0950123, MeSH D030342.

Allele frequency attached by ClinVar (database versions not stated): gnomAD 0.00002; TOPMed 0.00002.
gnomAD v4.1: 28 of 1,613,756 alleles (0.0017%); highest among the groups gnomAD compares: African/African-American, 0.0027%; no homozygotes.

Submissions (2):

Labcorp Genetics (formerly Invitae), Labcorp
Classification: Uncertain significance. Last evaluated: 2024-12-07. Review status: criteria provided, single submitter. Criteria: Invitae Variant Classification Sherloc (09022015). Collection method: clinical testing. Allele origin: germline.
Comment: This sequence change replaces aspartic acid, which is acidic and polar, with asparagine, which is neutral and polar, at codon 311 of the GNAT1 protein (p.Asp311Asn). This variant is present in population databases (no rsID available, gnomAD 0.008%). This variant has not been reported in the literature in individuals affected with GNAT1-related conditions. ClinVar contains an entry for this variant (Variation ID: 845622). An algorithm developed to predict the effect of missense changes on protein structure and function (PolyPhen-2) suggests that this variant is likely to be tolerated. In summary, the available evidence is currently insufficient to determine the role of this variant in disease. Therefore, it has been classified as a Variant of Uncertain Significance.

Ambry Genetics
Classification: Uncertain significance for Inborn genetic diseases. Last evaluated: 2024-12-02. Review status: criteria provided, single submitter. Criteria: Ambry Variant Classification Scheme 2023. Collection method: clinical testing. Allele origin: germline.